The following is an entry in ClinVar:

ClinVar aggregate classification (germline): Conflicting classifications of pathogenicity. Review status: criteria provided, conflicting classifications (1 of 4 stars). 3 submissions from 3 submitters: Pathogenic (1); Likely pathogenic (1); Uncertain significance (1). Last evaluated 2024-04-17.

Conditions:
TH-deficient dopa-responsive dystonia. Also called: Segawa syndrome, autosomal recessive; DYT-TH; Tyrosine Hydroxylase-Deficient Dopa-Responsive Dystonia. Identifiers: Orphanet 101150, MedGen C2673535, MONDO:0011551, OMIM 605407.
TH-related disorders.

Allele frequency attached by ClinVar (database versions not stated): TOPMed 0.00001.

Submissions (3):

Labcorp Genetics (formerly Invitae), Labcorp
Classification: Uncertain significance for TH-deficient dopa-responsive dystonia. Last evaluated: 2024-04-17. Review status: criteria provided, single submitter. Criteria: Invitae Variant Classification Sherloc (09022015). Collection method: clinical testing. Allele origin: germline.
Comment: This sequence change replaces leucine, which is neutral and non-polar, with phenylalanine, which is neutral and non-polar, at codon 273 of the TH protein (p.Leu273Phe). This variant is not present in population databases (gnomAD no frequency). This missense change has been observed in individual(s) with TH-deficient dopa-responsive dystonia (PMID: 31392251). ClinVar contains an entry for this variant (Variation ID: 1686259). Advanced modeling of protein sequence and biophysical properties (such as structural, functional, and spatial information, amino acid conservation, physicochemical variation, residue mobility, and thermodynamic stability) has been performed at Invitae for this missense variant, however the output from this modeling did not meet the statistical confidence thresholds required to predict the impact of this variant on TH protein function. In summary, the available evidence is currently insufficient to determine the role of this variant in disease. Therefore, it has been classified as a Variant of Uncertain Significance.

Mendelics
Classification: Pathogenic for TH-deficient dopa-responsive dystonia. Last evaluated: 2022-05-04. Review status: criteria provided, single submitter. Criteria: Mendelics Assertion Criteria 2019. Collection method: clinical testing. Allele origin: germline.

Blueprint Genetics
Classification: Likely pathogenic for TH-related disorders. Last evaluated: 2021-02-15. Review status: criteria provided, single submitter. Criteria: ACMG Guidelines, 2015. Collection method: clinical testing. Allele origin: germline. Affected: yes. Observed: 2 variant alleles.

Literature cited by the submitters: PubMed 31392251 (cited by Labcorp Genetics (formerly Invitae), Labcorp).

NM_000360.4(TH):c.724C>T (p.Leu242Phe)

Gene: TH (tyrosine hydroxylase; minus strand). Cytogenetic location: 11p15.5.
Variant type: single nucleotide variant.
Coding change: c.724C>T on transcript NM_000360.4 (MANE Select); coding-DNA position 724, C replaced by T.
Protein change: p.Leu242Phe; replaces leucine 242 with phenylalanine.
Molecular consequence: missense variant.
Genome position (GRCh38, 1-based): chr11:2,167,004, G>A on the plus strand (C>T on the coding strand, the complement: TH is on the minus strand). VCF-style: chr11-2167004-G-A. GRCh37 (hg19) VCF-style: chr11-2188234-G-A.
Other names: c.817C>T, p.Leu273Phe (NM_199292.3); c.805C>T, p.Leu269Phe (NM_199293.3); short protein forms L242F, L269F, L273F.
Identifiers: ClinVar variation 1686259 (VCV001686259.7), dbSNP rs1457094087, ClinGen allele CA379127036.
Genomic context (GRCh38, chr11:2,167,004, plus strand): 5'-TGAAGCGCTCCAGCAAAGCAAAGGCCTCCAGGTGCTCCCCGCAGGCGTGCGTGGCGTAGA[G>A]GCCCTTCAGCGTGGTGTAGACCTCCTTCCTGCGGGCAGCCAGGCTCAGGGCCCTCTAATG-3'
Protein context (NP_000351.2, residues 232-252): WKEVYTTLKG[Leu242Phe]YATHACGEHL